The following is an entry in ClinVar:

ClinVar aggregate classification (germline): Conflicting classifications of pathogenicity. Review status: criteria provided, conflicting classifications (1 of 4 stars). 3 submissions from 3 submitters: Uncertain significance (1); Likely benign (1). 1 of the submissions does not count toward it. Last evaluated 2025-07-10.

Conditions:
Surfactant metabolism dysfunction, pulmonary, 5 (SMDP5). Also called: PULMONARY ALVEOLAR PROTEINOSIS 5; PAP DUE TO CSF2RB DEFICIENCY; CSF2RB DEFICIENCY. Identifiers: Orphanet 264675, MedGen C3280574, MONDO:0013712, OMIM 614370.
CSF2RB-related disorder. Also called: CSF2RB-related condition.

Allele frequency attached by ClinVar (database versions not stated): gnomAD 0.00001 and 0.00007; TOPMed 0.00001; gnomAD exomes 0.00013 and 0.00033; 1000 Genomes Project 0.00060; 1000 Genomes Project 30x 0.00062; ExAC 0.00115.
gnomAD v4.1: 197 of 1,554,406 alleles (0.013%); highest among the groups gnomAD compares: South Asian, 0.18%; 1 homozygote.

Submissions (3):

Labcorp Genetics (formerly Invitae), Labcorp
Classification: Likely benign. Last evaluated: 2025-07-10. Review status: criteria provided, single submitter. Criteria: Invitae Variant Classification Sherloc (09022015). Collection method: clinical testing. Allele origin: germline.

Baylor Genetics
Classification: Uncertain significance for Surfactant metabolism dysfunction, pulmonary, 5. Last evaluated: 2018-05-08. Review status: criteria provided, single submitter. Criteria: ACMG Guidelines, 2015. Collection method: clinical testing. Allele origin: unknown. Affected: yes.
Comment: This variant was determined to be of uncertain significance according to ACMG Guidelines, 2015 [PMID:25741868].

PreventionGenetics, part of Exact Sciences
Classification: Likely benign for CSF2RB-related condition. Last evaluated: 2023-11-07. Review status: no assertion criteria provided. Collection method: clinical testing. Allele origin: germline. Not counted in ClinVar's aggregate classification.
Comment: This variant is classified as likely benign based on ACMG/AMP sequence variant interpretation guidelines (Richards et al. 2015 PMID: 25741868, with internal and published modifications).

NM_000395.3(CSF2RB):c.1874C>T (p.Ser625Phe)

Gene: CSF2RB (colony stimulating factor 2 receptor subunit beta; plus strand). Cytogenetic location: 22q12.3.
Variant type: single nucleotide variant.
Coding change: c.1874C>T on transcript NM_000395.3 (MANE Select); coding-DNA position 1874, C replaced by T.
Protein change: p.Ser625Phe; replaces serine 625 with phenylalanine.
Molecular consequence: missense variant.
Genome position (GRCh38, 1-based): chr22:36,937,682, C>T. VCF-style: chr22-36937682-C-T. GRCh37 (hg19) VCF-style: chr22-37333724-C-T.
Other names: short protein forms S625F.
Identifiers: ClinVar variation 796279 (VCV000796279.12), dbSNP rs560156832, ClinGen allele CA10213995.